The following is an entry in ClinVar:

ClinVar aggregate classification (germline): Uncertain significance. Review status: criteria provided, multiple submitters, no conflicts (2 of 4 stars). 2 submissions from 2 submitters: Uncertain significance (2). Last evaluated 2025-02-20.

Allele frequency attached by ClinVar (database versions not stated): TOPMed 0.00001; gnomAD 0.00002; 1000 Genomes Project 30x 0.00016; 1000 Genomes Project 0.00020.
gnomAD v4.1: 12 of 1,610,734 alleles (0.00075%); highest among the groups gnomAD compares: African/African-American, 0.0013%; no homozygotes.

Submissions (2):

Ambry Genetics
Classification: Uncertain significance. Last evaluated: 2025-02-20. Review status: criteria provided, single submitter. Criteria: Ambry Variant Classification Scheme 2023. Collection method: clinical testing. Allele origin: germline.

Labcorp Genetics (formerly Invitae), Labcorp
Classification: Uncertain significance. Last evaluated: 2024-11-18. Review status: criteria provided, single submitter. Criteria: Invitae Variant Classification Sherloc (09022015). Collection method: clinical testing. Allele origin: germline.
Comment: This sequence change replaces proline, which is neutral and non-polar, with alanine, which is neutral and non-polar, at codon 397 of the HMCN1 protein (p.Pro397Ala). This variant is present in population databases (rs201214008, gnomAD 0.007%). This variant has not been reported in the literature in individuals affected with HMCN1-related conditions. ClinVar contains an entry for this variant (Variation ID: 2191618). An algorithm developed to predict the effect of missense changes on protein structure and function (PolyPhen-2) suggests that this variant is likely to be disruptive. In summary, the available evidence is currently insufficient to determine the role of this variant in disease. Therefore, it has been classified as a Variant of Uncertain Significance.

NM_031935.3(HMCN1):c.1189C>G (p.Pro397Ala)

Gene: HMCN1 (hemicentin 1; plus strand). Cytogenetic location: 1q31.1.
Variant type: single nucleotide variant.
Coding change: c.1189C>G on transcript NM_031935.3 (MANE Select); coding-DNA position 1189, C replaced by G.
Protein change: p.Pro397Ala; replaces proline 397 with alanine.
Molecular consequence: missense variant.
Genome position (GRCh38, 1-based): chr1:185,923,557, C>G. VCF-style: chr1-185923557-C-G. GRCh37 (hg19) VCF-style: chr1-185892689-C-G.
Other names: c.1189C>G (NM_031935.2); short protein forms P397A.
Identifiers: ClinVar variation 2191618 (VCV002191618.5), dbSNP rs201214008, ClinGen allele CA33457804.